The following is an entry in ClinVar:

ClinVar aggregate classification (germline): Uncertain significance (1 of 4 stars; one submission).

Submission:

Labcorp Genetics (formerly Invitae), Labcorp
Classification: Uncertain significance. Last evaluated: 2025-04-27. Review status: criteria provided, single submitter. Criteria: Invitae Variant Classification Sherloc (09022015). Collection method: clinical testing. Allele origin: germline.
Comment: This sequence change replaces alanine, which is neutral and non-polar, with valine, which is neutral and non-polar, at codon 3228 of the SRCAP protein (p.Ala3228Val). This variant is not present in population databases (gnomAD no frequency). This variant has not been reported in the literature in individuals affected with SRCAP-related conditions. Invitae Evidence Modeling of protein sequence and biophysical properties (such as structural, functional, and spatial information, amino acid conservation, physicochemical variation, residue mobility, and thermodynamic stability) indicates that this missense variant is not expected to disrupt SRCAP protein function with a negative predictive value of 80%. In summary, the available evidence is currently insufficient to determine the role of this variant in disease. Therefore, it has been classified as a Variant of Uncertain Significance.

NM_006662.3(SRCAP):c.9683C>T (p.Ala3228Val)

Gene: SRCAP (Snf2 related CREBBP activator protein; plus strand). Cytogenetic location: 16p11.2.
Variant type: single nucleotide variant.
Coding change: c.9683C>T on transcript NM_006662.3 (MANE Select); coding-DNA position 9683, C replaced by T.
Protein change: p.Ala3228Val; replaces alanine 3228 with valine.
Molecular consequence: missense variant.
Genome position (GRCh38, 1-based): chr16:30,739,723, C>T. VCF-style: chr16-30739723-C-T. GRCh37 (hg19) VCF-style: chr16-30751044-C-T.
Other names: short protein forms A3228V.
Identifiers: ClinVar variation 4743486 (VCV004743486.1).
Genomic context (GRCh38, chr16:30,739,723, plus strand): 5'-TGCGCAGCAGCGCCCCTCCCTCCCTGGCTGGCCCTGCTGTTAGTCACAGAGGCCGCAAGG[C>T]CAAGACGTGAGTGGGCTGCCCCTCCACCTAGGCTTTCCACCGTGGCCACTCCCTCCATGA-3'
Protein context (NP_006653.2, residues 3218-3230): GPAVSHRGRK[Ala3228Val]KT